The following is an entry in ClinVar:

ClinVar aggregate classification (germline): Uncertain significance. Review status: criteria provided, multiple submitters, no conflicts (2 of 4 stars). 3 submissions from 3 submitters: Uncertain significance (3). Last evaluated 2022-10-24.

Conditions:
Osteogenesis imperfecta type 7 (OI7). Also called: OSTEOGENESIS IMPERFECTA, TYPE IIB; OI type 7; OI type VII; Osteogenesis imperfecta type 2B; OI type 2B; Osteogenesis imperfecta, perinatal lethal autosomal recessive. Identifiers: MedGen C1853162, MONDO:0012536, OMIM 610682.

Allele frequency attached by ClinVar (database versions not stated): TOPMed 0.00009; gnomAD 0.00010.
gnomAD v4.1: 178 of 1,588,854 alleles (0.011%); highest among the groups gnomAD compares: Middle Eastern, 0.14%; 1 homozygote.

Submissions (3):

Labcorp Genetics (formerly Invitae), Labcorp
Classification: Uncertain significance for Osteogenesis imperfecta type 7. Last evaluated: 2022-10-24. Review status: criteria provided, single submitter. Criteria: Invitae Variant Classification Sherloc (09022015). Collection method: clinical testing. Allele origin: germline.
Comment: This sequence change replaces arginine, which is basic and polar, with serine, which is neutral and polar, at codon 30 of the CRTAP protein (p.Arg30Ser). This variant is present in population databases (rs553076085, gnomAD 0.1%). This variant has not been reported in the literature in individuals affected with CRTAP-related conditions. ClinVar contains an entry for this variant (Variation ID: 581625). Algorithms developed to predict the effect of missense changes on protein structure and function are either unavailable or do not agree on the potential impact of this missense change (SIFT: "Deleterious"; PolyPhen-2: "Benign"; Align-GVGD: "Class C0"). In summary, the available evidence is currently insufficient to determine the role of this variant in disease. Therefore, it has been classified as a Variant of Uncertain Significance.

Revvity Omics, Revvity
Classification: Uncertain significance for Osteogenesis imperfecta type 7. Last evaluated: 2019-11-08. Review status: criteria provided, single submitter. Criteria: ACMG Guidelines, 2015. Collection method: clinical testing. Allele origin: germline.

CeGaT Center for Human Genetics Tuebingen
Classification: Uncertain significance. Last evaluated: 2018-04-01. Review status: criteria provided, single submitter. Criteria: CeGaT Center For Human Genetics Tuebingen Variant Classification Criteria Version 2. Collection method: clinical testing. Allele origin: germline. Affected: yes. Observed: 1 variant allele.

NM_006371.5(CRTAP):c.88C>A (p.Arg30Ser)

Gene: CRTAP (cartilage associated protein; plus strand). Cytogenetic location: 3p22.3.
Variant type: single nucleotide variant.
Coding change: c.88C>A on transcript NM_006371.5 (MANE Select); coding-DNA position 88, C replaced by A.
Protein change: p.Arg30Ser; replaces arginine 30 with serine.
Molecular consequence: missense variant.
Genome position (GRCh38, 1-based): chr3:33,114,165, C>A. VCF-style: chr3-33114165-C-A. GRCh37 (hg19) VCF-style: chr3-33155657-C-A.
Other names: c.88C>A, p.Arg30Ser (NM_001393363.1, NM_001393364.1, NM_001393365.1); short protein forms R30S.
Identifiers: ClinVar variation 581625 (VCV000581625.47), dbSNP rs553076085, ClinGen allele CA2300190.